The following is an entry in ClinVar:

NM_001110556.2(FLNA):c.3831G>C (p.Glu1277Asp)

Gene: FLNA (filamin A; minus strand). Cytogenetic location: Xq28.
Variant type: single nucleotide variant.
Coding change: c.3831G>C on transcript NM_001110556.2 (MANE Select); coding-DNA position 3831, G replaced by C.
Protein change: p.Glu1277Asp; replaces glutamic acid 1277 with aspartic acid.
Molecular consequence: missense variant.
Genome position (GRCh38, 1-based): chrX:154,359,880, C>G on the plus strand (G>C on the coding strand, the complement: FLNA is on the minus strand). VCF-style: chrX-154359880-C-G. GRCh37 (hg19) VCF-style: chrX-153588248-C-G.
Other names: c.3831G>C, p.Glu1277Asp (NM_001456.4); short protein forms E1277D.
Identifiers: ClinVar variation 3897442 (VCV003897442.1).
Genomic context (GRCh38, chrX:154,359,880, plus strand): 5'-CACACGGGCCTTGACGTGCGGCCCTCCGGTCTGTGTCAGAGCCCGGGCGTCCACACTGAA[C>G]TCAGTGGTGGCCTCACGGAAGACACCTGCAAAGGCACAGAGAGGAGGCTTGGGGCTCGGG-3'
Protein context (NP_001104026.1, residues 1267-1287): GQGVFREATT[Glu1277Asp]FSVDARALTQ

ClinVar aggregate classification (germline): Uncertain significance (1 of 4 stars; one submission).

gnomAD v4.1: 12 of 1,211,075 alleles (0.00099%); highest among the groups gnomAD compares: East Asian, 0.035%; no homozygotes.

Submission:

GeneDx
Classification: Uncertain significance. Last evaluated: 2024-11-03. Review status: criteria provided, single submitter. Criteria: GeneDx Variant Classification Process June 2021. Collection method: clinical testing. Allele origin: germline. Affected: yes.
Comment: Not observed at significant frequency in large population cohorts (gnomAD); In silico analysis indicates that this missense variant does not alter protein structure/function; Has not been previously published as pathogenic or benign to our knowledge